The following is an entry in ClinVar:

NM_001374828.1(ARID1B):c.2939C>T (p.Pro980Leu)

Gene: ARID1B (AT-rich interaction domain 1B; plus strand). Cytogenetic location: 6q25.3.
Variant type: single nucleotide variant.
Coding change: c.2939C>T on transcript NM_001374828.1 (MANE Select); coding-DNA position 2939, C replaced by T.
Protein change: p.Pro980Leu; replaces proline 980 with leucine.
Molecular consequence: missense variant.
Genome position (GRCh38, 1-based): chr6:157,148,801, C>T. VCF-style: chr6-157148801-C-T. GRCh37 (hg19) VCF-style: chr6-157469935-C-T.
Other names: c.2729C>T (NM_020732.3); c.440C>T, p.Pro147Leu (NM_001363725.2, NM_001438488.1); c.2978C>T, p.Pro993Leu (NM_001371656.1, NM_001374820.1); c.2939C>T, p.Pro980Leu (NM_001438482.1, NM_017519.3); c.2981C>T, p.Pro994Leu (NM_001438483.1, NM_001438486.1); c.2849C>T, p.Pro950Leu (NM_001438485.1); c.2759C>T, p.Pro920Leu (NM_001438487.1); short protein forms P147L, P920L, P980L, P994L, P950L, P993L.
Identifiers: ClinVar variation 4997180 (VCV004997180.1).

ClinVar aggregate classification (germline): Uncertain significance (1 of 4 stars; one submission).

Conditions:
ARID1B-Related Disorder. Identifiers: MedGen CN381337.

Submission:

PreventionGenetics, part of Exact Sciences
Classification: Uncertain significance for ARID1B-related condition. Last evaluated: 2024-12-04. Review status: criteria provided, single submitter. Criteria: ACMG Guidelines, 2015. Collection method: clinical testing. Allele origin: germline.
Comment: The ARID1B c.2729C>T variant is predicted to result in the amino acid substitution p.Pro910Leu. To our knowledge, this variant has not been reported in the literature or in a large population database (gnomAD), indicating this variant is rare. At this time, the clinical significance of this variant is uncertain due to the absence of conclusive functional and genetic evidence.